The following is an entry in ClinVar:

NM_000124.4(ERCC6):c.3904C>T (p.Gln1302Ter)

Gene: ERCC6 (ERCC excision repair 6, chromatin remodeling factor; minus strand). Cytogenetic location: 10q11.23.
Variant type: single nucleotide variant.
Coding change: c.3904C>T on transcript NM_000124.4 (MANE Select); coding-DNA position 3904, C replaced by T.
Protein change: p.Gln1302Ter; replaces glutamine 1302 with a stop codon.
Molecular consequence: nonsense.
Genome position (GRCh38, 1-based): chr10:49,461,431, G>A on the plus strand (C>T on the coding strand, the complement: ERCC6 is on the minus strand). VCF-style: chr10-49461431-G-A. GRCh37 (hg19) VCF-style: chr10-50669477-G-A.
Other names: c.3904C>T, p.Gln1302Ter (NM_001346440.2); short protein forms Q1302*.
Identifiers: ClinVar variation 190170 (VCV000190170.7), dbSNP rs786205174, ClinGen allele CA274710.

ClinVar aggregate classification (germline): Pathogenic. Review status: criteria provided, multiple submitters, no conflicts (2 of 4 stars). 3 submissions from 3 submitters: Pathogenic (3). Last evaluated 2024-05-11.

Conditions:
DE SANCTIS-CACCHIONE SYNDROME. Identifiers: MedGen C0265201, MONDO:0010217, OMIM 278800.
Cerebrooculofacioskeletal syndrome 1 (COFS1). Also called: Cerebro-oculo-facio-skeletal syndrome 1. Identifiers: MedGen C0220722, MONDO:0008955, OMIM 214150.
Cockayne syndrome type 2 (CSB). Also called: COCKAYNE SYNDROME B; Cockayne Syndrome, Type II. Identifiers: Orphanet 191, Orphanet 90322, MedGen C0751038, MONDO:0019570, OMIM 133540.
UV-sensitive syndrome 1 (UVSS1). Identifiers: Orphanet 178338, MedGen C3551173, MONDO:0010909, OMIM 600630.
Age related macular degeneration 5. Identifiers: MedGen C3151063, MONDO:0013409, OMIM 613761.
Premature ovarian failure 11 (POF11). Identifiers: MedGen C4310783, MONDO:0014843, OMIM 616946.
Lung cancer. Also called: Lung cancer, somatic; Malignant tumor of lung. Identifiers: MedGen C0242379, MONDO:0008903, OMIM 211980.

Allele frequency attached by ClinVar (database versions not stated): gnomAD exomes below 0.00001.
gnomAD v4.1: 3 of 1,614,176 alleles (0.00019%); highest among the groups gnomAD compares: Non-Finnish European, 0.00025%; no homozygotes.

Submissions (3):

Fulgent Genetics
Classification: Pathogenic for Cockayne syndrome type 2; Lung cancer; Cerebrooculofacioskeletal syndrome 1; DE SANCTIS-CACCHIONE SYNDROME; UV-sensitive syndrome 1; Age related macular degeneration 5; Premature ovarian failure 11. Last evaluated: 2024-05-11. Review status: criteria provided, single submitter. Criteria: ACMG Guidelines, 2015. Collection method: clinical testing. Allele origin: germline.

Labcorp Genetics (formerly Invitae), Labcorp
Classification: Pathogenic. Last evaluated: 2022-08-15. Review status: criteria provided, single submitter. Criteria: Invitae Variant Classification Sherloc (09022015). Collection method: clinical testing. Allele origin: germline.
Comment: For these reasons, this variant has been classified as Pathogenic. ClinVar contains an entry for this variant (Variation ID: 190170). This variant has not been reported in the literature in individuals affected with ERCC6-related conditions. This variant is present in population databases (rs786205174, gnomAD 0.0009%). This sequence change creates a premature translational stop signal (p.Gln1302*) in the ERCC6 gene. It is expected to result in an absent or disrupted protein product. Loss-of-function variants in ERCC6 are known to be pathogenic (PMID: 18628313, 29572252).

Claritas Genomics
Classification: Pathogenic for Cockayne syndrome, type B. Last evaluated: 2014-07-29. Review status: criteria provided, single submitter. Criteria: ACMG Guidelines, 2007. Collection method: clinical testing. Allele origin: germline. Inheritance: Autosomal recessive inheritance.

Literature cited by the submitters: PubMed 18628313 (cited by Labcorp Genetics (formerly Invitae), Labcorp); PubMed 29572252 (cited by Labcorp Genetics (formerly Invitae), Labcorp).